The following is an entry in ClinVar:

ClinVar aggregate classification (germline): Uncertain significance. Review status: criteria provided, multiple submitters, no conflicts (2 of 4 stars). 2 submissions from 2 submitters: Uncertain significance (2). Last evaluated 2024-01-22.

Allele frequency attached by ClinVar (database versions not stated): TOPMed below 0.00001.

Submissions (2):

Labcorp Genetics (formerly Invitae), Labcorp
Classification: Uncertain significance. Last evaluated: 2024-01-22. Review status: criteria provided, single submitter. Criteria: Invitae Variant Classification Sherloc (09022015). Collection method: clinical testing. Allele origin: germline.
Comment: This sequence change replaces alanine, which is neutral and non-polar, with threonine, which is neutral and polar, at codon 109 of the RAX2 protein (p.Ala109Thr). The frequency data for this variant in the population databases is considered unreliable, as metrics indicate poor data quality at this position in the gnomAD database. This variant has not been reported in the literature in individuals affected with RAX2-related conditions. ClinVar contains an entry for this variant (Variation ID: 1907470). An algorithm developed to predict the effect of missense changes on protein structure and function (PolyPhen-2) suggests that this variant is likely to be disruptive. In summary, the available evidence is currently insufficient to determine the role of this variant in disease. Therefore, it has been classified as a Variant of Uncertain Significance.

Blueprint Genetics
Classification: Uncertain significance. Last evaluated: 2019-11-07. Review status: criteria provided, single submitter. Criteria: ACMG Guidelines, 2015. Collection method: clinical testing. Allele origin: germline.

NM_001319074.4(RAX2):c.325G>A (p.Ala109Thr)

Gene: RAX2 (retina and anterior neural fold homeobox 2; minus strand). Cytogenetic location: 19p13.3.
Variant type: single nucleotide variant.
Coding change: c.325G>A on transcript NM_001319074.4 (MANE Select); coding-DNA position 325, G replaced by A.
Protein change: p.Ala109Thr; replaces alanine 109 with threonine.
Molecular consequence: missense variant.
Genome position (GRCh38, 1-based): chr19:3,770,851, C>T on the plus strand (G>A on the coding strand, the complement: RAX2 is on the minus strand). VCF-style: chr19-3770851-C-T. GRCh37 (hg19) VCF-style: chr19-3770849-C-T.
Other names: c.325G>A, p.Ala109Thr (NM_032753.4); short protein forms A109T.
Identifiers: ClinVar variation 1907470 (VCV001907470.6), dbSNP rs1467659356, ClinGen allele CA403374778.